The following is an entry in ClinVar:

NM_000503.6(EYA1):c.1360+6T>G

Gene: EYA1 (EYA transcriptional coactivator and phosphatase 1; minus strand). Cytogenetic location: 8q13.3.
Variant type: single nucleotide variant.
Coding change: c.1360+6T>G on transcript NM_000503.6 (MANE Select); 6 bases into the intron after coding-DNA position 1360, T replaced by G.
Molecular consequence: intron variant.
Genome position (GRCh38, 1-based): chr8:71,216,686, A>C on the plus strand (T>G on the coding strand, the complement: EYA1 is on the minus strand). VCF-style: chr8-71216686-A-C. GRCh37 (hg19) VCF-style: chr8-72128921-A-C.
Other names: c.1339+6T>G (NM_001370336.1); c.1447+6T>G (NM_001370333.1); c.1360+6T>G (NM_001370335.1, NM_001370334.1, NM_172058.4); c.1342+6T>G (NM_172059.5, NM_001288574.2); c.1261+6T>G (NM_001411797.1, NM_172060.4); c.994+6T>G (NM_001288575.2).
Identifiers: ClinVar variation 3725119 (VCV003725119.2).

ClinVar aggregate classification (germline): Uncertain significance (1 of 4 stars; one submission).

Conditions:
Melnick-Fraser syndrome (BOR). Also called: Branchiootorenal syndrome; Branchio-oto-renal syndrome; Branchiootorenal Syndrome (BORS). Identifiers: Orphanet 107, MedGen C0265234, MONDO:0007029.

gnomAD v4.1: 1 of 1,613,908 alleles (0.000062%); highest among the groups gnomAD compares: Non-Finnish European, 0.000085%; no homozygotes.

Submission:

Labcorp Genetics (formerly Invitae), Labcorp
Classification: Uncertain significance for Melnick-Fraser syndrome. Last evaluated: 2024-12-04. Review status: criteria provided, single submitter. Criteria: Invitae Variant Classification Sherloc (09022015). Collection method: clinical testing. Allele origin: germline.
Comment: This sequence change falls in intron 14 of the EYA1 gene. It does not directly change the encoded amino acid sequence of the EYA1 protein. It affects a nucleotide within the consensus splice site. This variant is not present in population databases (gnomAD no frequency). This variant has been observed in individual(s) with clinical features of EYA1-related conditions (internal data). Variants that disrupt the consensus splice site are a relatively common cause of aberrant splicing (PMID: 17576681, 9536098). Algorithms developed to predict the effect of sequence changes on RNA splicing suggest that this variant may disrupt the consensus splice site. In summary, the available evidence is currently insufficient to determine the role of this variant in disease. Therefore, it has been classified as a Variant of Uncertain Significance.

Literature cited by the submitters: PubMed 17576681; PubMed 9536098.